The following is an entry in ClinVar:

NM_032043.3(BRIP1):c.206-8A>G

Gene: BRIP1 (BRCA1 interacting DNA helicase 1; minus strand). Cytogenetic location: 17q23.2.
Variant type: single nucleotide variant.
Coding change: c.206-8A>G on transcript NM_032043.3 (MANE Select); 8 bases into the intron before coding-DNA position 206, A replaced by G.
Molecular consequence: intron variant.
Genome position (GRCh38, 1-based): chr17:61,857,239, T>C on the plus strand (A>G on the coding strand, the complement: BRIP1 is on the minus strand). VCF-style: chr17-61857239-T-C. GRCh37 (hg19) VCF-style: chr17-59934600-T-C.
Identifiers: ClinVar variation 1572882 (VCV001572882.10), dbSNP rs2145831898, ClinGen allele CA2573154339.
Genomic context (GRCh38, chr17:61,857,239, plus strand): 5'-ACATGACAATTGTACTTCAGCTTTTTCACTTACGCCCTCATCTGCTGGTTTCCCTAAAAA[T>C]GAAAGAACATCTATTTATAATATATCTAATTAAATAAACATCAATCATTCTCTACAGCCC-3'

ClinVar aggregate classification (germline): Likely benign. Review status: criteria provided, multiple submitters, no conflicts (2 of 4 stars). 2 submissions from 2 submitters: Likely benign (2). Last evaluated 2025-06-30.

Conditions:
Familial cancer of breast. Also called: Hereditary breast cancer; BREAST CANCER, FAMILIAL; hereditary breast carcinoma. Identifiers: Orphanet 227535, MedGen C0346153, MONDO:0016419, OMIM 114480. Disease mechanism: loss of function.
Fanconi anemia complementation group J. Also called: BRIP1-Related Fanconi Anemia. Identifiers: Orphanet 84, MedGen C1836860, MONDO:0012187, OMIM 609054.

Submissions (2):

Labcorp Genetics (formerly Invitae), Labcorp
Classification: Likely benign for Familial cancer of breast; Fanconi anemia complementation group J. Last evaluated: 2025-06-30. Review status: criteria provided, single submitter. Criteria: Invitae Variant Classification Sherloc (09022015). Collection method: clinical testing. Allele origin: germline.

Myriad Genetics, Inc.
Classification: Likely benign for Familial cancer of breast. Last evaluated: 2024-08-09. Review status: criteria provided, single submitter. Criteria: Myriad Autosomal Dominant, Autosomal Recessive and X-Linked Classification Criteria (2023). Collection method: clinical testing. Allele origin: unknown.
Comment: This variant is considered likely benign. This variant is intronic and is not expected to impact mRNA splicing.